The following is an entry in ClinVar:

NM_001711.6(BGN):c.41del (p.Ser14fs)

Gene: BGN (biglycan; plus strand). Cytogenetic location: Xq28.
Variant type: Deletion.
Coding change: c.41del on transcript NM_001711.6 (MANE Select); coding-DNA position 41, one base deleted (G; older notation c.41delG).
Protein change: p.Ser14fs; shifts the reading frame from serine 14.
Molecular consequence: frameshift variant.
Genome position (GRCh38, 1-based): chrX:153,504,672, G deleted. VCF-style (leftmost placement, unchanged base first): chrX-153504671-AG-A. GRCh37 (hg19) VCF-style: chrX-152770129-AG-A.
Other names: short protein forms S14fs.
Identifiers: ClinVar variation 817331 (VCV000817331.1), dbSNP rs1602981402, ClinGen allele CA915952009.
Genomic context (GRCh38, chrX:153,504,671, plus strand): 5'-CTTCCCCCAGGTCCATCCGCCATGTGGCCCCTGTGGCGCCTCGTGTCTCTGCTGGCCCTG[AG>A]CCAGGCCCTGCCCTTTGAGCAGAGAGGCTTCTGGGACTTCACCCTGGACGATGGGCCATT-3'

ClinVar aggregate classification (germline): Likely pathogenic (1 of 4 stars; one submission).

Submission:

GeneDx
Classification: Likely pathogenic. Last evaluated: 2018-11-28. Review status: criteria provided, single submitter. Criteria: GeneDx Variant Classification (06012015). Collection method: clinical testing. Allele origin: germline. Affected: yes.
Comment: Although the c.41delG likely pathogenic variant in the BGN gene has not been reported to our knowledge, this variant causes a shift in reading frame starting at codon serine 14, changing it to a threonine, and creating a premature stop codon at position 22 of the new reading frame, denoted p.Ser14ThrfsX22. This likely pathogenic variant is expected to result in either an abnormal, truncated protein product or loss of protein from this allele through nonsense-mediated mRNA decay. Furthermore, the c.41delG variant has not been observed in large population cohorts (Lek et al., 2016). However, only one other loss of function variant in the BGN gene has been reported in Human Gene Mutation Database in association with BGN-related disorders (Stenson et al., 2014). In summary, c.41delG in the BGN gene is interpreted as a likely pathogenic variant.